The following is an entry in ClinVar:

ClinVar aggregate classification (germline): Uncertain significance (1 of 4 stars; one submission).

Submission:

Labcorp Genetics (formerly Invitae), Labcorp
Classification: Uncertain significance. Last evaluated: 2024-06-25. Review status: criteria provided, single submitter. Criteria: Invitae Variant Classification Sherloc (09022015). Collection method: clinical testing. Allele origin: germline.
Comment: This sequence change replaces tyrosine, which is neutral and polar, with histidine, which is basic and polar, at codon 87 of the GABRB1 protein (p.Tyr87His). This variant is not present in population databases (gnomAD no frequency). This variant has not been reported in the literature in individuals affected with GABRB1-related conditions. Advanced modeling of protein sequence and biophysical properties (such as structural, functional, and spatial information, amino acid conservation, physicochemical variation, residue mobility, and thermodynamic stability) performed at Invitae indicates that this missense variant is not expected to disrupt GABRB1 protein function with a negative predictive value of 80%. In summary, the available evidence is currently insufficient to determine the role of this variant in disease. Therefore, it has been classified as a Variant of Uncertain Significance.

NM_000812.4(GABRB1):c.259T>C (p.Tyr87His)

Gene: GABRB1 (gamma-aminobutyric acid type A receptor subunit beta1; plus strand). Cytogenetic location: 4p12.
Variant type: single nucleotide variant.
Coding change: c.259T>C on transcript NM_000812.4 (MANE Select); coding-DNA position 259, T replaced by C.
Protein change: p.Tyr87His; replaces tyrosine 87 with histidine.
Molecular consequence: missense variant.
Genome position (GRCh38, 1-based): chr4:47,161,267, T>C. VCF-style: chr4-47161267-T-C. GRCh37 (hg19) VCF-style: chr4-47163284-T-C.
Other names: short protein forms Y87H.
Identifiers: ClinVar variation 3657725 (VCV003657725.2).